The following is an entry in ClinVar:

NM_000478.6(ALPL):c.1207A>C (p.Ser403Arg)

Gene: ALPL (alkaline phosphatase, biomineralization associated; plus strand). Cytogenetic location: 1p36.12.
Variant type: single nucleotide variant.
Coding change: c.1207A>C on transcript NM_000478.6 (MANE Select); coding-DNA position 1207, A replaced by C.
Protein change: p.Ser403Arg; replaces serine 403 with arginine.
Molecular consequence: missense variant.
Genome position (GRCh38, 1-based): chr1:21,576,539, A>C. VCF-style: chr1-21576539-A-C. GRCh37 (hg19) VCF-style: chr1-21903032-A-C.
Other names: c.1042A>C, p.Ser348Arg (NM_001127501.4); c.976A>C, p.Ser326Arg (NM_001177520.3); c.1207A>C, p.Ser403Arg (NM_001369803.2, NM_001369804.2, NM_001369805.2); short protein forms S326R, S348R, S403R.
Identifiers: ClinVar variation 3336845 (VCV003336845.2).

ClinVar aggregate classification (germline): Conflicting classifications of pathogenicity. Review status: criteria provided, conflicting classifications (1 of 4 stars). 2 submissions from 2 submitters: Likely pathogenic (1); Uncertain significance (1). Last evaluated 2025-08-29.

Conditions:
Hypophosphatasia. Also called: Phosphoethanol-aminuria. Identifiers: Orphanet 436, MedGen C0020630, MeSH D007014, MONDO:0018570.

Submissions (2):

Genomenon, Inc
Classification: Uncertain significance for Hypophosphatasia. Last evaluated: 2025-08-29. Review status: criteria provided, single submitter. Criteria: Genomenon Sequence Variant Interpretation Standards. Collection method: curation. Allele origin: germline. Affected: yes.
Comment: ALPL c.1207A>C is a missense variant that changes the amino acid at residue 403 from Serine to Arginine. This variant has been observed in at least one proband affected with hypophosphatasia (PMID:38884565). It is absent or not present at a significant frequency in gnomAD. In silico models agree that this variant is possibly or probably damaging. In conclusion, we classify ALPL p.Ser403Arg (c.1207A>C) as a variant of unknown significance.

JKU Lab, Dept of Paediatrics, Johannes Kepler University
Classification: Likely pathogenic for Hypophosphatasia. Last evaluated: 2024-08-13. Review status: criteria provided, single submitter. Criteria: ACMG Guidelines, 2015. Collection method: clinical testing. Allele origin: germline. Affected: yes.
Comment: The variant is absent from GnomAD. The ACMG criteria applied can be looked up in the ALPL gene variant database. Functional testing was undertaken at the JKU laboratory.

Literature cited by the submitters: PubMed 38884565 (cited by Genomenon, Inc and JKU Lab, Dept of Paediatrics, Johannes Kepler University).